The following is an entry in ClinVar:

ClinVar aggregate classification (germline): Pathogenic (1 of 4 stars; one submission).

Conditions:
CHARGE syndrome (CHARGE). Also called: Hittner Hirsch Kreh syndrome; CHARGE ASSOCIATION--COLOBOMA, HEART ANOMALY, CHOANAL ATRESIA, RETARDATION, GENITAL AND EAR ANOMALIES; Coloboma, heart anomaly, choanal atresia, retardation, genital and ear anomalies; CHARGE association; Hall-Hittner syndrome. Identifiers: Orphanet 138, MedGen C0265354, MONDO:0008965.

Submission:

Rady Children's Institute for Genomic Medicine, Rady Children's Hospital San Diego
Classification: Pathogenic for CHD7-related CHARGE syndrome. Review status: criteria provided, single submitter. Criteria: ACMG Guidelines, 2015. Collection method: clinical testing. Allele origin: germline. Affected: yes.
Comment: This frameshifting variant in exon 24 of 38 is predicted to result in loss of normal protein function through either protein truncation or nonsense-mediated mRNA decay. This variant has not been previously reported or functionally characterized in the literature to our knowledge. It is absent from the gnomAD population database and thus is presumed to be rare. Analysis of the parental samples was negative for the variant, indicating this variant likely occurred as a de novo event. Based on the available evidence, the c.5242del (p.Leu1748Ter) variant is classified as Pathogenic.

NM_017780.4(CHD7):c.5242del (p.Tyr1747_Leu1748insTer)

Gene: CHD7 (chromodomain helicase DNA binding protein 7; plus strand). Cytogenetic location: 8q12.2.
Variant type: Deletion.
Coding change: c.5242del on transcript NM_017780.4 (MANE Select); coding-DNA position 5242, one base deleted (C; older notation c.5242delC).
Protein change: p.Tyr1747_Leu1748insTer.
Molecular consequence: nonsense. On other transcripts: intron variant (1).
Genome position (GRCh38, 1-based): chr8:60,848,546, C deleted; the last of 2 consecutive C bases (chr8:60,848,545-60,848,546); deleting either gives the same sequence. VCF-style (leftmost placement, unchanged base first): chr8-60848544-AC-A. GRCh37 (hg19) VCF-style: chr8-61761103-AC-A.
Other names: c.1717-13683del (NM_001316690.1).
Identifiers: ClinVar variation 2584434 (VCV002584434.1), dbSNP rs2487998297, ClinGen allele CA2582341674.